The following is an entry in ClinVar:

NM_005188.4(CBL):c.107ACC[6] (p.His42del)

Genes: CBL (Cbl proto-oncogene; plus strand), LOC130006895 (ATAC-STARR-seq lymphoblastoid silent region 3975; plus strand). Cytogenetic location: 11q23.3.
Variant type: Microsatellite.
Coding change: c.107ACC[6] on transcript NM_005188.4 (MANE Select); six copies in a row of the 3-base unit ACC starting at c.107; the reference has seven copies in a row; one copy, 3 bases deleted; also written c.125_127del.
Protein change: p.His42del; deletes histidine 42.
Molecular consequence: inframe deletion.
Genome position (GRCh38, 1-based): chr11:119,206,542-119,206,544, ACC deleted; deleting any 3 consecutive bases within chr11:119,206,523-119,206,544 gives the same sequence; the position shown is the placement nearest the transcript's 3' end. VCF-style (leftmost placement, unchanged base first): chr11-119206522-GCAC-G. GRCh37 (hg19) VCF-style: chr11-119077232-GCAC-G.
Other names: c.125_127delACC (NM_005188.3); c.125_127del (NM_005188.4); short protein forms H42del.
Identifiers: ClinVar variation 180808 (VCV000180808.17), dbSNP rs373212940, ClinGen allele CA295965.
Genomic context (GRCh38, chr11:119,206,522, plus strand): 5'-CGGCTCCGGGGGCTCGGGTTCGGGTGGCCTGATTGGGCTCATGAAGGACGCCTTCCAGCC[GCAC>G]CACCACCACCACCACCACCTCAGCCCCCACCCGCCGGGGACGGTGGACAAGAAGATGGTG-3'

ClinVar aggregate classification (germline): Conflicting classifications of pathogenicity. Review status: criteria provided, conflicting classifications (1 of 4 stars). 7 submissions from 7 submitters: Uncertain significance (1); Benign (1); Likely benign (3). 2 of the submissions do not count toward it. Last evaluated 2025-11-19.

Conditions:
Juvenile myelomonocytic leukemia (JMML). Also called: LEUKEMIA, JUVENILE MYELOMONOCYTIC, SOMATIC. Identifiers: Orphanet 86834, MedGen C0349639, MONDO:0011908, OMIM 607785, HP:0012209.
CBL-related disorder. Also called: NOONAN SYNDROME-LIKE DISORDER WITHOUT JUVENILE MYELOMONOCYTIC LEUKEMIA; CBL MUTATION-ASSOCIATED SYNDROME; CBL SYNDROME. Identifiers: Orphanet 363972, MedGen C3150803, MONDO:0013308, OMIM 613563.
Hereditary cancer-predisposing syndrome. Also called: Tumor predisposition; Neoplastic Syndromes, Hereditary; Hereditary neoplastic syndrome; Hereditary Cancer Syndrome. Identifiers: Orphanet 140162, MedGen C0027672, MeSH D009386, MONDO:0015356.
RASopathy. Also called: rasopathies; Noonan spectrum disorder. Identifiers: Orphanet 536391, MedGen C5555857, MONDO:0021060.

Submissions (7):

Labcorp Genetics (formerly Invitae), Labcorp
Classification: Likely benign for RASopathy. Last evaluated: 2025-11-19. Review status: criteria provided, single submitter. Criteria: Invitae Variant Classification Sherloc (09022015). Collection method: clinical testing. Allele origin: germline.

Molecular Diagnostics Laboratory, Catalan Institute of Oncology
Classification: Uncertain significance for Hereditary cancer-predisposing syndrome. Last evaluated: 2024-12-18. Review status: criteria provided, single submitter. Criteria: ACMG Guidelines, 2015. Collection method: clinical testing. Allele origin: germline.
Comment: DA (19/12/24): VSD (0). The CBL c.125_127del, located in exon 1 is predicted to result in the deletion of 3 nt resulting in in-frame deletion of Histidine at codon 42, p.(His42del). The variant allele was found at a frequency of 97/179342 alleles (0.05%) in the gnomAD v2.1.1 database, non-cancer dataset. The SpliceAI algorithm predicts no significant impact on splicing. This variant has not been reported in the literature. The variant was identified in the ClinVar** database (3x benign, 2x likely benign). Based on the available evidence to date, this variant is classified as uncertain significance according ACMG guidelines.

Blueprint Genetics
Classification: Likely benign. Last evaluated: 2024-11-26. Review status: criteria provided, single submitter. Criteria: ACMG Guidelines, 2015. Collection method: clinical testing. Allele origin: germline.

Fulgent Genetics
Classification: Likely benign for Juvenile myelomonocytic leukemia; CBL-related disorder. Last evaluated: 2021-10-04. Review status: criteria provided, single submitter. Criteria: ACMG Guidelines, 2015. Collection method: clinical testing. Allele origin: unknown.

GeneDx
Classification: Benign for Rasopathy. Last evaluated: 2013-09-08. Review status: criteria provided, single submitter. Criteria: GeneDx Variant Classification (06012015). Collection method: clinical testing. Allele origin: germline. Affected: yes.
Comment: The variant is found in NOONAN panel(s).

Clinical Genetics, Academic Medical Center
Classification: Benign. Review status: no assertion criteria provided. Collection method: clinical testing. Allele origin: germline. Affected: yes. Study: VKGL Data-share Consensus. Not counted in ClinVar's aggregate classification.

Genome Diagnostics Laboratory, Amsterdam University Medical Center
Classification: Benign. Review status: no assertion criteria provided. Collection method: clinical testing. Allele origin: germline. Affected: yes. Study: VKGL Data-share Consensus. Not counted in ClinVar's aggregate classification.